The following is an entry in ClinVar:

NM_000170.3(GLDC):c.1342G>C (p.Glu448Gln)

Gene: GLDC (glycine decarboxylase; minus strand). Cytogenetic location: 9p24.1.
Variant type: single nucleotide variant.
Coding change: c.1342G>C on transcript NM_000170.3 (MANE Select); coding-DNA position 1342, G replaced by C.
Protein change: p.Glu448Gln; replaces glutamic acid 448 with glutamine.
Molecular consequence: missense variant.
Genome position (GRCh38, 1-based): chr9:6,592,910, C>G on the plus strand (G>C on the coding strand, the complement: GLDC is on the minus strand). VCF-style: chr9-6592910-C-G. GRCh37 (hg19) VCF-style: chr9-6592910-C-G.
Other names: short protein forms E448Q.
Identifiers: ClinVar variation 968550 (VCV000968550.12), dbSNP rs777365335, ClinGen allele CA4980756.

ClinVar aggregate classification (germline): Uncertain significance. Review status: criteria provided, multiple submitters, no conflicts (2 of 4 stars). 5 submissions from 5 submitters: Uncertain significance (4). 1 of the submissions does not count toward it. Last evaluated 2022-07-06.

Conditions:
Inborn genetic diseases. Identifiers: MedGen C0950123, MeSH D030342.
Glycine encephalopathy. Also called: Non-ketotic hyperglycinemia; Nonketotic hyperglycinemia. Identifiers: Orphanet 407, MedGen C0751748, MONDO:0011612, HP:0008288.

Allele frequency attached by ClinVar (database versions not stated): TOPMed 0.00001; ExAC 0.00002; gnomAD 0.00002; gnomAD exomes 0.00002 and 0.00003.
gnomAD v4.1: 35 of 1,613,858 alleles (0.0022%); highest among the groups gnomAD compares: Non-Finnish European, 0.0029%; no homozygotes.

Submissions (5):

Labcorp Genetics (formerly Invitae), Labcorp
Classification: Uncertain significance for Glycine encephalopathy. Last evaluated: 2022-07-06. Review status: criteria provided, single submitter. Criteria: Invitae Variant Classification Sherloc (09022015). Collection method: clinical testing. Allele origin: germline.
Comment: This sequence change replaces glutamic acid, which is acidic and polar, with glutamine, which is neutral and polar, at codon 448 of the GLDC protein (p.Glu448Gln). This variant is present in population databases (rs777365335, gnomAD 0.007%). This variant has not been reported in the literature in individuals affected with GLDC-related conditions. ClinVar contains an entry for this variant (Variation ID: 968550). Advanced modeling of protein sequence and biophysical properties (such as structural, functional, and spatial information, amino acid conservation, physicochemical variation, residue mobility, and thermodynamic stability) performed at Invitae indicates that this missense variant is not expected to disrupt GLDC protein function. In summary, the available evidence is currently insufficient to determine the role of this variant in disease. Therefore, it has been classified as a Variant of Uncertain Significance.

Fulgent Genetics
Classification: Uncertain significance for Glycine encephalopathy 1. Last evaluated: 2022-05-05. Review status: criteria provided, single submitter. Criteria: ACMG Guidelines, 2015. Collection method: clinical testing. Allele origin: unknown.

Ambry Genetics
Classification: Uncertain significance for Inborn genetic diseases. Last evaluated: 2022-02-04. Review status: criteria provided, single submitter. Criteria: Ambry Variant Classification Scheme 2023. Collection method: clinical testing. Allele origin: germline.

GeneDx
Classification: Uncertain significance. Last evaluated: 2019-07-19. Review status: criteria provided, single submitter. Criteria: GeneDx Variant Classification Process June 2021. Collection method: clinical testing. Allele origin: germline. Affected: yes.
Comment: Not observed at a significant frequency in large population cohorts (Lek et al., 2016); In silico analysis, which includes protein predictors and evolutionary conservation, supports that this variant does not alter protein structure/function; Has not been previously published as pathogenic or benign to our knowledge

Natera, Inc.
Classification: Uncertain significance for Non-ketotic hyperglycinemia. Last evaluated: 2020-10-07. Review status: no assertion criteria provided. Collection method: clinical testing. Allele origin: germline. Not counted in ClinVar's aggregate classification.